The following is an entry in ClinVar:

ClinVar aggregate classification (germline): Uncertain significance. Review status: criteria provided, multiple submitters, no conflicts (2 of 4 stars). 15 submissions from 15 submitters: Uncertain significance (13). 2 of the submissions do not count toward it. Last evaluated 2026-09-09.

Conditions:
Ovarian cancer. Also called: OVARIAN CANCER, SOMATIC. Identifiers: Orphanet 213500, MedGen C1140680, MONDO:0008170, OMIM 167000.
Fanconi anemia complementation group J. Also called: BRIP1-Related Fanconi Anemia. Identifiers: Orphanet 84, MedGen C1836860, MONDO:0012187, OMIM 609054.
Familial ovarian cancer. Identifiers: MedGen C5679802, MONDO:0016248.
BRIP1-related disorder. Also called: BRIP1-related condition; BRIP1-related disorders. Identifiers: MedGen CN239206.
Hereditary cancer-predisposing syndrome. Also called: Neoplastic Syndromes, Hereditary; Hereditary Cancer Syndrome; Tumor predisposition; Hereditary neoplastic syndrome. Identifiers: Orphanet 140162, MedGen C0027672, MeSH D009386, MONDO:0015356.
Familial cancer of breast. Also called: Hereditary breast cancer; hereditary breast carcinoma; BREAST CANCER, FAMILIAL. Identifiers: Orphanet 227535, MedGen C0346153, MONDO:0016419, OMIM 114480. Disease mechanism: loss of function.

Allele frequency attached by ClinVar (database versions not stated): ExAC 0.00001; gnomAD 0.00002; TOPMed 0.00002.
gnomAD v4.1: 14 of 1,613,428 alleles (0.00087%); highest among the groups gnomAD compares: African/African-American, 0.0053%; no homozygotes.

Submissions (15):

PreventionGenetics, part of Exact Sciences
Classification: Uncertain significance for BRIP1-related condition. Last evaluated: 2026-09-09. Review status: criteria provided, single submitter. Criteria: ACMG Guidelines, 2015. Collection method: clinical testing. Allele origin: germline.
Comment: The BRIP1 c.1899C>G variant is predicted to result in the amino acid substitution p.Ile633Met. This variant was reported in breast cancer cases and controls and ovarian cancer cases and controls (Tung et al. 2016. PubMed ID: 26976419; Breast Cancer Association Consortium et al. 2021. PubMed ID: 33471991; Supp. Table 1, Easton et al. 2016. PubMed ID: 26921362; Supp. Table 4, Ramus et al. 2015. PubMed ID: 26315354). This variant has not been reported in a large population database (gnomAD), indicating this variant is rare. This variant is interpreted as uncertain in ClinVar (Variation ID: 231114). At this time, the clinical significance of this variant is uncertain due to the absence of conclusive functional and genetic evidence.

Ambry Genetics
Classification: Uncertain significance for Hereditary cancer-predisposing syndrome. Last evaluated: 2025-08-08. Review status: criteria provided, single submitter. Criteria: Ambry Variant Classification Scheme 2023. Collection method: clinical testing. Allele origin: germline.

Labcorp Genetics (formerly Invitae), Labcorp
Classification: Uncertain significance for Familial cancer of breast; Fanconi anemia complementation group J. Last evaluated: 2025-07-31. Review status: criteria provided, single submitter. Criteria: Invitae Variant Classification Sherloc (09022015). Collection method: clinical testing. Allele origin: germline.
Comment: This sequence change replaces isoleucine, which is neutral and non-polar, with methionine, which is neutral and non-polar, at codon 633 of the BRIP1 protein (p.Ile633Met). This variant is not present in population databases (gnomAD no frequency). This missense change has been observed in individual(s) with BRIP1-related conditions (PMID: 26315354, 26921362, 26976419). ClinVar contains an entry for this variant (Variation ID: 231114). Invitae Evidence Modeling of protein sequence and biophysical properties (such as structural, functional, and spatial information, amino acid conservation, physicochemical variation, residue mobility, and thermodynamic stability) has been performed for this missense variant. However, the output from this modeling did not meet the statistical confidence thresholds required to predict the impact of this variant on BRIP1 protein function. In summary, the available evidence is currently insufficient to determine the role of this variant in disease. Therefore, it has been classified as a Variant of Uncertain Significance.

Color Diagnostics, LLC DBA Color Health
Classification: Uncertain significance for Hereditary cancer-predisposing syndrome. Last evaluated: 2025-04-29. Review status: criteria provided, single submitter. Criteria: ACMG Guidelines, 2015. Collection method: clinical testing. Allele origin: germline.
Comment: This missense variant replaces isoleucine with methionine at codon 633 of the BRIP1 protein. Computational prediction suggests that this variant may not impact protein structure and function. To our knowledge, functional studies have not been reported for this variant. This variant has been reported in an individual affected with ovarian cancer (PMID: 26976419), in individuals affected with breast cancer (PMID: 26976419, 32885271, 33471991), as well as two unaffected individuals (PMID: 26315354FLOSSIES). This variant has not been identified in the general population by the Genome Aggregation Database (gnomAD). The available evidence is insufficient to determine the role of this variant in disease conclusively. Therefore, this variant is classified as a Variant of Uncertain Significance.

Center for Genomic Medicine, Rigshospitalet, Copenhagen University Hospital
Classification: Uncertain significance. Last evaluated: 2025-03-04. Review status: criteria provided, single submitter. Criteria: ACMG Guidelines, 2015. Collection method: clinical testing. Allele origin: germline.

Molecular Pathology, Peter Maccallum Cancer Centre
Classification: Uncertain significance for Familial ovarian cancer. Last evaluated: 2024-07-29. Review status: criteria provided, single submitter. Criteria: ACMG Guidelines, 2015. Collection method: clinical testing. Allele origin: germline. Inheritance: Autosomal dominant inheritance.

Fulgent Genetics
Classification: Uncertain significance for Familial cancer of breast; Fanconi anemia complementation group J. Last evaluated: 2024-06-17. Review status: criteria provided, single submitter. Criteria: ACMG Guidelines, 2015. Collection method: clinical testing. Allele origin: germline.

Blueprint Genetics
Classification: Uncertain significance. Last evaluated: 2023-12-21. Review status: criteria provided, single submitter. Criteria: ACMG Guidelines, 2015. Collection method: clinical testing. Allele origin: germline.

Myriad Genetics, Inc.
Classification: Uncertain significance for Familial cancer of breast. Last evaluated: 2023-02-27. Review status: criteria provided, single submitter. Criteria: Myriad Autosomal Dominant, Autosomal Recessive and X-Linked Classification Criteria (2023). Collection method: clinical testing. Allele origin: unknown.
Comment: This variant is classified as a variant of uncertain significance as there is insufficient evidence to determine its impact on protein function and/or cancer risk.

GeneDx
Classification: Uncertain significance. Last evaluated: 2022-12-21. Review status: criteria provided, single submitter. Criteria: GeneDx Variant Classification Process June 2021. Collection method: clinical testing. Allele origin: germline. Affected: yes.
Comment: Not observed at significant frequency in large population cohorts (gnomAD); In silico analysis supports that this missense variant does not alter protein structure/function; Observed in individuals with breast cancer, ovarian cancer, or melanoma, but also in unaffected controls (Ramus et al., 2015; Easton et al., 2016; Tung et al., 2016; Pritchard et al., 2018; Dorling et al., 2021); This variant is associated with the following publications: (PMID: 26315354, 26976419, 29641532, 26921362, 33471991)

CeGaT Center for Human Genetics Tuebingen
Classification: Uncertain significance. Last evaluated: 2020-02-01. Review status: criteria provided, single submitter. Criteria: CeGaT Center For Human Genetics Tuebingen Variant Classification Criteria Version 2. Collection method: clinical testing. Allele origin: germline. Affected: yes. Observed: 1 variant allele.

Mendelics
Classification: Uncertain significance for Familial cancer of breast. Last evaluated: 2019-05-28. Review status: criteria provided, single submitter. Criteria: Mendelics Assertion Criteria 2017. Collection method: clinical testing. Allele origin: unknown.

Women's Health and Genetics/Laboratory Corporation of America, LabCorp
Classification: Uncertain significance. Last evaluated: 2019-04-20. Review status: criteria provided, single submitter. Criteria: LabCorp Variant Classification Summary - May 2015. Collection method: clinical testing. Allele origin: germline.
Comment: Variant summary: BRIP1 c.1899C>G (p.Ile633Met) results in a conservative amino acid change in the encoded protein sequence. Three of five in-silico tools predict a damaging effect of the variant on protein function. The variant allele was found at a frequency of 1e-05 in 288552 control chromosomes. The available data on variant occurrences in the general population are insufficient to allow any conclusion about variant significance. c.1899C>G has been reported in the literature in individuals affected with Breast and Ovarian Cancer as well as unaffected controls (Ramus_2016, Tung_2016, Easton_2016). These report(s) do not provide unequivocal conclusions about association of the variant with Hereditary Breast and Ovarian Cancer. To our knowledge, no experimental evidence demonstrating an impact on protein function has been reported. Four clinical diagnostic laboratories have submitted clinical-significance assessments for this variant to ClinVar after 2014 without evidence for independent evaluation. All laboratories classified the variant as uncertain significance. Based on the evidence outlined above, the variant was classified as uncertain significance.

Counsyl
Classification: Uncertain significance for Fanconi anemia complementation group J; Ovarian cancer. Last evaluated: 2017-10-19. Review status: no assertion criteria provided. Collection method: clinical testing. Allele origin: unknown. Not counted in ClinVar's aggregate classification.

Department of Pathology and Laboratory Medicine, Sinai Health System
Classification: Uncertain significance. Review status: no assertion criteria provided. Collection method: clinical testing. Allele origin: unknown. Affected: yes. Study: The Canadian Open Genetics Repository (COGR). Not counted in ClinVar's aggregate classification.
Comment: The BRIP1 p.Ile633Met variant was identified in 2 of 7448 proband chromosomes (frequency: 0.00023) from individuals or families with hereditary breast and ovarian cancer and was present in 1 of 6862 control chromosomes (frequency: 0.0001) from healthy individuals (Ramus 2015, Tung 2016). The variant was also identified in dbSNP (ID: rs28997572) as â€šÃ„ÃºWith Uncertain significance alleleâ€šÃ„Ã¹, ClinVar (as uncertain significance by Ambry Genetics, Invitae, and Color Genomics), Clinvitae, and Zhejiang University Database. The variant was not identified in the Cosmic or MutDB database. The variant was identified in the Exome Aggregation Consortium (August 8th 2016) control database in 1 of 121336 chromosomes at a frequency of 0.000008 in the following populations: Latino in 1 of 11578 chromosomes (freq: 0.000086), but not observed in the African, East Asian, European (Finnish), European (Non-Finnish), Other, or South Asian populations. The variant was not identified in the 1000 Genomes Project, the NHLBI GO Exome Sequencing Project, or the Genome Aggregation Database (Feb 27, 2017). The p.Ile633 residue is conserved in mammals and computational analyses (PolyPhen-2, SIFT, AlignGVGD, BLOSUM, MutationTaster) provide inconsistent predictions regarding the impact to the protein; this information is not very predictive of pathogenicity. The variant occurs outside of the splicing consensus sequence and in silico or computational prediction software programs (SpliceSiteFinder, MaxEntScan, NNSPLICE, GeneSplicer, HumanSpliceFinder) do not predict a difference in splicing. In summary, based on the above information the clinical significance of this variant cannot be determined with certainty at this time. This variant is classified as a variant of uncertain significance.

Literature cited by the submitters: PubMed 26315354 (cited by 5 submitters); PubMed 26921362 (cited by 3 submitters); PubMed 26976419 (cited by 4 submitters); PubMed 32885271 (cited by Color Diagnostics, LLC DBA Color Health); PubMed 33471991 (cited by Color Diagnostics, LLC DBA Color Health).

NM_032043.3(BRIP1):c.1899C>G (p.Ile633Met)

Gene: BRIP1 (BRCA1 interacting DNA helicase 1; minus strand). Cytogenetic location: 17q23.2.
Variant type: single nucleotide variant.
Coding change: c.1899C>G on transcript NM_032043.3 (MANE Select); coding-DNA position 1899, C replaced by G.
Protein change: p.Ile633Met; replaces isoleucine 633 with methionine.
Molecular consequence: missense variant.
Genome position (GRCh38, 1-based): chr17:61,780,297, G>C on the plus strand (C>G on the coding strand, the complement: BRIP1 is on the minus strand). VCF-style: chr17-61780297-G-C. GRCh37 (hg19) VCF-style: chr17-59857658-G-C.
Other names: short protein forms I633M.
Identifiers: ClinVar variation 231114 (VCV000231114.75), dbSNP rs28997572, ClinGen allele CA8690637.